The following is an entry in ClinVar:

NM_000548.5(TSC2):c.4002C>G (p.Ser1334Arg)

Gene: TSC2 (TSC complex subunit 2; plus strand). Cytogenetic location: 16p13.3.
Variant type: single nucleotide variant.
Coding change: c.4002C>G on transcript NM_000548.5 (MANE Select); coding-DNA position 4002, C replaced by G.
Protein change: p.Ser1334Arg; replaces serine 1334 with arginine.
Molecular consequence: missense variant.
Genome position (GRCh38, 1-based): chr16:2,083,813, C>G. VCF-style: chr16-2083813-C-G. GRCh37 (hg19) VCF-style: chr16-2133814-C-G.
Other names: c.3801C>G, p.Ser1267Arg (NM_001077183.3); c.3933C>G, p.Ser1311Arg (NM_001114382.3); c.3693C>G, p.Ser1231Arg (NM_001318827.2); c.3657C>G, p.Ser1219Arg (NM_001318829.2); c.3270C>G, p.Ser1090Arg (NM_001318831.2); c.3834C>G, p.Ser1278Arg (NM_001318832.2); c.3804C>G, p.Ser1268Arg (NM_001363528.2); c.3870C>G, p.Ser1290Arg (NM_001370404.1); and 1 more; short protein forms S1278R, S1291R, S1334R, S1090R, S1267R, S1268R, S1290R, S1311R.
Identifiers: ClinVar variation 664472 (VCV000664472.9), dbSNP rs1060500911, ClinGen allele CA394297852.

ClinVar aggregate classification (germline): Conflicting classifications of pathogenicity. Review status: criteria provided, conflicting classifications (1 of 4 stars). 2 submissions from 2 submitters: Uncertain significance (1); Benign (1). Last evaluated 2025-07-14.

Conditions:
Tuberous sclerosis 2 (TSC2). Identifiers: Orphanet 805, MedGen C1860707, MONDO:0013199, OMIM 613254.
Hereditary cancer-predisposing syndrome. Also called: Neoplastic Syndromes, Hereditary; Hereditary neoplastic syndrome; Tumor predisposition; Hereditary Cancer Syndrome. Identifiers: Orphanet 140162, MedGen C0027672, MeSH D009386, MONDO:0015356.

Allele frequency attached by ClinVar (database versions not stated): gnomAD 0.00001.
gnomAD v4.1: 1 of 1,610,714 alleles (0.000062%); highest among the groups gnomAD compares: African/African-American, 0.0013%; no homozygotes.

Submissions (2):

Ambry Genetics
Classification: Uncertain significance for Hereditary cancer-predisposing syndrome. Last evaluated: 2025-07-14. Review status: criteria provided, single submitter. Criteria: Ambry Variant Classification Scheme 2023. Collection method: clinical testing. Allele origin: germline.
Comment: The p.S1334R variant (also known as c.4002C>G), located in coding exon 32 of the TSC2 gene, results from a C to G substitution at nucleotide position 4002. The serine at codon 1334 is replaced by arginine, an amino acid with dissimilar properties. This amino acid position is conserved. In addition, the in silico prediction for this alteration is inconclusive. Based on the available evidence, the clinical significance of this variant remains unclear.

Labcorp Genetics (formerly Invitae), Labcorp
Classification: Benign for Tuberous sclerosis 2. Last evaluated: 2024-10-15. Review status: criteria provided, single submitter. Criteria: Invitae Variant Classification Sherloc (09022015). Collection method: clinical testing. Allele origin: germline.